The following is an entry in ClinVar:

NM_015158.5(KANK1):c.1642G>A (p.Gly548Ser)

Gene: KANK1 (KN motif and ankyrin repeat domains 1; plus strand). Cytogenetic location: 9p24.3.
Variant type: single nucleotide variant.
Coding change: c.1642G>A on transcript NM_015158.5 (MANE Select); coding-DNA position 1642, G replaced by A.
Protein change: p.Gly548Ser; replaces glycine 548 with serine.
Molecular consequence: missense variant. On other transcripts: non-coding transcript variant (1).
Genome position (GRCh38, 1-based): chr9:712,408, G>A. VCF-style: chr9-712408-G-A. GRCh37 (hg19) VCF-style: chr9-712408-G-A.
Other names: c.1642G>A, p.Gly548Ser (NM_001256876.3, NM_001256877.3, NM_001354331.2 and 2 more transcripts); c.1168G>A, p.Gly390Ser (NM_001354333.2, NM_001354335.2, NM_001354336.2 and 9 more transcripts); short protein forms G548S, G390S.
Identifiers: ClinVar variation 3531681 (VCV003531681.3).
Genomic context (GRCh38, chr9:712,408, plus strand): 5'-GGCAGTCACATGGACCTGGTGGACACGTGTGTTGGGACCTCCGTGGAAACAAACAGTGTA[G>A]GCATCTCCTGCCAGCCTGAATGTAAGAATAAAGTCGTAGGGCCTGAGCTGCCTATGAATT-3'
Protein context (NP_055973.2, residues 538-558): VGTSVETNSV[Gly548Ser]ISCQPECKNK

ClinVar aggregate classification (germline): Uncertain significance. Review status: criteria provided, multiple submitters, no conflicts (2 of 4 stars). 2 submissions from 2 submitters: Uncertain significance (2). Last evaluated 2024-12-10.

gnomAD v4.1: 25 of 1,614,152 alleles (0.0015%); highest among the groups gnomAD compares: Non-Finnish European, 0.0021%; no homozygotes.

Submissions (2):

Ambry Genetics
Classification: Uncertain significance. Last evaluated: 2024-12-10. Review status: criteria provided, single submitter. Criteria: Ambry Variant Classification Scheme 2023. Collection method: clinical testing. Allele origin: germline.

Labcorp Genetics (formerly Invitae), Labcorp
Classification: Uncertain significance. Last evaluated: 2024-12-08. Review status: criteria provided, single submitter. Criteria: Invitae Variant Classification Sherloc (09022015). Collection method: clinical testing. Allele origin: germline.
Comment: This sequence change replaces glycine, which is neutral and non-polar, with serine, which is neutral and polar, at codon 548 of the KANK1 protein (p.Gly548Ser). This variant is not present in population databases (gnomAD no frequency). This variant has not been reported in the literature in individuals affected with KANK1-related conditions. Invitae Evidence Modeling of protein sequence and biophysical properties (such as structural, functional, and spatial information, amino acid conservation, physicochemical variation, residue mobility, and thermodynamic stability) indicates that this missense variant is expected to disrupt KANK1 protein function with a positive predictive value of 80%. In summary, the available evidence is currently insufficient to determine the role of this variant in disease. Therefore, it has been classified as a Variant of Uncertain Significance.